The following is an entry in ClinVar:

NM_006939.4(SOS2):c.714T>G (p.Ser238=)

Gene: SOS2 (SOS Ras/Rho guanine nucleotide exchange factor 2; minus strand). Cytogenetic location: 14q21.3.
Variant type: single nucleotide variant.
Coding change: c.714T>G on transcript NM_006939.4 (MANE Select); coding-DNA position 714, T replaced by G.
Protein change: p.Ser238=; no amino-acid change (serine 238 retained).
Molecular consequence: synonymous variant.
Genome position (GRCh38, 1-based): chr14:50,188,497, A>C on the plus strand (T>G on the coding strand, the complement: SOS2 is on the minus strand). VCF-style: chr14-50188497-A-C. GRCh37 (hg19) VCF-style: chr14-50655215-A-C.
Identifiers: ClinVar variation 565460 (VCV000565460.6), dbSNP rs750665891, ClinGen allele CA7177470.

ClinVar aggregate classification (germline): Uncertain significance (1 of 4 stars; one submission).

Conditions:
Noonan syndrome 9 (NS9). Identifiers: Orphanet 648, MedGen C4225282, MONDO:0014691, OMIM 616559.

Allele frequency attached by ClinVar (database versions not stated): ExAC 0.00001; gnomAD exomes 0.00001 and 0.00002; TOPMed 0.00001.
gnomAD v4.1: 12 of 1,592,740 alleles (0.00075%); highest among the groups gnomAD compares: Non-Finnish European, 0.001%; no homozygotes.

Submission:

Labcorp Genetics (formerly Invitae), Labcorp
Classification: Uncertain significance for Noonan syndrome 9. Last evaluated: 2025-10-28. Review status: criteria provided, single submitter. Criteria: Invitae Variant Classification Sherloc (09022015). Collection method: clinical testing. Allele origin: germline.
Comment: This sequence change affects codon 238 of the SOS2 mRNA. It is a 'silent' change, meaning that it does not change the encoded amino acid sequence of the SOS2 protein. It affects a nucleotide within the consensus splice site. This variant is present in population databases (rs750665891, gnomAD 0.004%). This variant has not been reported in the literature in individuals affected with SOS2-related conditions. ClinVar contains an entry for this variant (Variation ID: 565460). Algorithms developed to predict the effect of sequence changes on RNA splicing suggest that this variant is not likely to affect RNA splicing. In summary, the available evidence is currently insufficient to determine the role of this variant in disease. Therefore, it has been classified as a Variant of Uncertain Significance.